The following is an entry in ClinVar:

NM_004304.5(ALK):c.1077A>G (p.Gly359=)

Gene: ALK (ALK receptor tyrosine kinase; minus strand). Cytogenetic location: 2p23.2.
Variant type: single nucleotide variant.
Coding change: c.1077A>G on transcript NM_004304.5 (MANE Select); coding-DNA position 1077, A replaced by G.
Protein change: p.Gly359=; no amino-acid change (glycine 359 retained).
Molecular consequence: synonymous variant.
Genome position (GRCh38, 1-based): chr2:29,531,992, T>C on the plus strand (A>G on the coding strand, the complement: ALK is on the minus strand). VCF-style: chr2-29531992-T-C. GRCh37 (hg19) VCF-style: chr2-29754858-T-C.
Other names: c.1077A>G (NM_004304.4).
Identifiers: ClinVar variation 2150093 (VCV002150093.14), dbSNP rs2465284291, ClinGen allele CA425517468.
Genomic context (GRCh38, chr2:29,531,992, plus strand): 5'-GGGCATCAGGAGGATCTCTCTTGCAGCCTCGTTGTGGGGCAGCAGCTGGGCAATGTACCT[T>C]CCAGAGGGCTGCAGGTGCCTGTGCACCGAGACGGCCAGTGTGCAGTGCTCACTGCTGCTC-3'
Protein context (NP_004295.2, residues 349-369): VSVHRHLQPS[Gly359=]RYIAQLLPHN

ClinVar aggregate classification (germline): Likely benign. Review status: criteria provided, multiple submitters, no conflicts (2 of 4 stars). 3 submissions from 3 submitters: Likely benign (3). Last evaluated 2026-01-25.

Conditions:
Neuroblastoma, susceptibility to, 3. Also called: ALK-Related Neuroblastic Tumor Susceptibility. Identifiers: Orphanet 635, MedGen C2751681, MONDO:0013083, OMIM 613014.
Hereditary cancer-predisposing syndrome. Also called: Hereditary Cancer Syndrome; Neoplastic Syndromes, Hereditary; Hereditary neoplastic syndrome; Tumor predisposition. Identifiers: Orphanet 140162, MedGen C0027672, MeSH D009386, MONDO:0015356.

Submissions (3):

Labcorp Genetics (formerly Invitae), Labcorp
Classification: Likely benign for Neuroblastoma, susceptibility to, 3. Last evaluated: 2026-01-25. Review status: criteria provided, single submitter. Criteria: Invitae Variant Classification Sherloc (09022015). Collection method: clinical testing. Allele origin: germline.

CeGaT Center for Human Genetics Tuebingen
Classification: Likely benign. Last evaluated: 2025-08-01. Review status: criteria provided, single submitter. Criteria: CeGaT Center For Human Genetics Tuebingen Variant Classification Criteria Version 2. Collection method: clinical testing. Allele origin: germline. Affected: yes. Observed: 1 variant allele.
Comment: ALK: PM2:Supporting, BP4, BP7

Ambry Genetics
Classification: Likely benign for Hereditary cancer-predisposing syndrome. Last evaluated: 2023-09-10. Review status: criteria provided, single submitter. Criteria: Ambry Variant Classification Scheme 2023. Collection method: clinical testing. Allele origin: germline.